The following is an entry in ClinVar:

ClinVar aggregate classification (germline): Uncertain significance (1 of 4 stars; one submission).

Conditions:
Leber congenital amaurosis 1 (LCA1). Also called: AMAUROSIS CONGENITA OF LEBER I; Congenital absence of the rods and cones; Leber's congenital tapetoretinal degeneration; Leber's congenital tapetoretinal dysplasia; RETINAL BLINDNESS, CONGENITAL. Identifiers: Orphanet 65, MedGen C2931258, MONDO:0008764, OMIM 204000.
Cone-rod dystrophy 6 (CORD6). Also called: Cone dystrophy progressive; RETINAL CONE DYSTROPHY 2. Identifiers: Orphanet 1872, MedGen C1866293, MONDO:0011143, OMIM 601777.

Submission:

Labcorp Genetics (formerly Invitae), Labcorp
Classification: Uncertain significance for Leber congenital amaurosis 1; Cone-rod dystrophy 6. Last evaluated: 2023-12-11. Review status: criteria provided, single submitter. Criteria: Invitae Variant Classification Sherloc (09022015). Collection method: clinical testing. Allele origin: germline.
Comment: This sequence change replaces serine, which is neutral and polar, with glycine, which is neutral and non-polar, at codon 1023 of the GUCY2D protein (p.Ser1023Gly). This variant is not present in population databases (gnomAD no frequency). This variant has not been reported in the literature in individuals affected with GUCY2D-related conditions. ClinVar contains an entry for this variant (Variation ID: 1721984). Advanced modeling of protein sequence and biophysical properties (such as structural, functional, and spatial information, amino acid conservation, physicochemical variation, residue mobility, and thermodynamic stability) performed at Invitae indicates that this missense variant is not expected to disrupt GUCY2D protein function with a negative predictive value of 80%. In summary, the available evidence is currently insufficient to determine the role of this variant in disease. Therefore, it has been classified as a Variant of Uncertain Significance.

NM_000180.4(GUCY2D):c.3067A>G (p.Ser1023Gly)

Gene: GUCY2D (guanylate cyclase 2D, retinal; plus strand). Cytogenetic location: 17p13.1.
Variant type: single nucleotide variant.
Coding change: c.3067A>G on transcript NM_000180.4 (MANE Select); coding-DNA position 3067, A replaced by G.
Protein change: p.Ser1023Gly; replaces serine 1023 with glycine.
Molecular consequence: missense variant.
Genome position (GRCh38, 1-based): chr17:8,015,950, A>G. VCF-style: chr17-8015950-A-G. GRCh37 (hg19) VCF-style: chr17-7919268-A-G.
Other names: short protein forms S1023G.
Identifiers: ClinVar variation 1721984 (VCV001721984.5), dbSNP rs2545427508, ClinGen allele CA397955598.
Genomic context (GRCh38, chr17:8,015,950, plus strand): 5'-GTGAGTCCCGAGCTCACGGCGTCCCCCACCGCCACAGCTTACCGCATCCACGTGAACTTG[A>G]GCACTGTGGGGATTCTCCGTGCTCTGGACTCGGGCTACCAGGTGGAGCTGCGAGGCCGCA-3'
Protein context (NP_000171.1, residues 1013-1033): GLPYRIHVNL[Ser1023Gly]TVGILRALDS